The following is an entry in ClinVar:

ClinVar aggregate classification (germline): Uncertain significance (1 of 4 stars; one submission).

Conditions:
Glycogen storage disease type III (GSD3). Also called: Cori disease; FORBES DISEASE. Identifiers: Orphanet 366, MedGen C0017922, MONDO:0009291, OMIM 232400.

Submission:

Labcorp Genetics (formerly Invitae), Labcorp
Classification: Uncertain significance for Glycogen storage disease type III. Last evaluated: 2017-11-02. Review status: criteria provided, single submitter. Criteria: Invitae Variant Classification Sherloc (09022015). Collection method: clinical testing. Allele origin: germline.
Comment: In summary, the available evidence is currently insufficient to determine the role of this variant in disease. Therefore, it has been classified as a Variant of Uncertain Significance. Algorithms developed to predict the effect of missense changes on protein structure and function output the following: SIFT: "Tolerated"; PolyPhen-2: "Benign"; Align-GVGD: "Class C0". The methionine amino acid residue is found in multiple mammalian species, suggesting that this missense change does not adversely affect protein function. These predictions have not been confirmed by published functional studies and their clinical significance is uncertain. This variant has not been reported in the literature in individuals with AGL-related disease. This variant is not present in population databases (ExAC no frequency). This sequence change replaces isoleucine with methionine at codon 1403 of the AGL protein (p.Ile1403Met). The isoleucine residue is moderately conserved and there is a small physicochemical difference between isoleucine and methionine.

NM_000642.3(AGL):c.4209T>G (p.Ile1403Met)

Gene: AGL (amylo-alpha-1,6-glucosidase and 4-alpha-glucanotransferase; plus strand). Cytogenetic location: 1p21.2.
Variant type: single nucleotide variant.
Coding change: c.4209T>G on transcript NM_000642.3 (MANE Select); coding-DNA position 4209, T replaced by G.
Protein change: p.Ile1403Met; replaces isoleucine 1403 with methionine.
Molecular consequence: missense variant.
Genome position (GRCh38, 1-based): chr1:99,915,436, T>G. VCF-style: chr1-99915436-T-G. GRCh37 (hg19) VCF-style: chr1-100380992-T-G.
Other names: c.4209T>G, p.Ile1403Met (NM_000028.3, NM_000643.3, NM_000644.3 and 1 more transcripts); c.4161T>G, p.Ile1387Met (NM_000646.3); c.4188T>G, p.Ile1396Met (NM_001425326.1); c.4008T>G, p.Ile1336Met (NM_001425327.1); c.4005T>G, p.Ile1335Met (NM_001425328.1); c.3870T>G, p.Ile1290Met (NM_001425329.1); c.3831T>G, p.Ile1277Met (NM_001425332.1); short protein forms I1403M, I1387M, I1277M, I1290M, I1335M, I1336M, I1396M.
Identifiers: ClinVar variation 526581 (VCV000526581.9), dbSNP rs1553193234, ClinGen allele CA341341185.
Genomic context (GRCh38, chr1:99,915,436, plus strand): 5'-TGGCATTCACTAGGCCCCTGAGCTCTTTACTACAGAAAAAGCATGGAAAGCTTTGGAGAT[T>G]GCAGAAAAAAAATTGCTTGGTCCCCTTGGCATGAAAACTTTAGATCCAGAGTAAGTTGGA-3'
Protein context (NP_000633.2, residues 1393-1413): TTEKAWKALE[Ile1403Met]AEKKLLGPLG